The following is an entry in ClinVar:

ClinVar aggregate classification (germline): Pathogenic. Review status: reviewed by expert panel (3 of 4 stars). 2 submissions from 2 submitters: Pathogenic (1). 1 of the submissions does not count toward it. Last evaluated 2017-12-15.

Conditions:
Breast-ovarian cancer, familial, susceptibility to, 1 (BROVCA1). Also called: BRCA1 Hereditary Breast and Ovarian Cancer; OVARIAN CANCER, SUSCEPTIBILITY TO. Identifiers: Orphanet 145, MedGen C2676676, MONDO:0011450, OMIM 604370. Disease mechanism: loss of function.
Familial cancer of breast. Also called: hereditary breast carcinoma; BREAST CANCER, FAMILIAL; Hereditary breast cancer. Identifiers: Orphanet 227535, MedGen C0346153, MONDO:0016419, OMIM 114480. Disease mechanism: loss of function.

Submissions (2):

Evidence-based Network for the Interpretation of Germline Mutant Alleles (ENIGMA)
Classification: Pathogenic for Breast-ovarian cancer, familial, susceptibility to, 1. Last evaluated: 2017-12-15. Review status: reviewed by expert panel. Criteria: ENIGMA BRCA1/2 Classification Criteria (2017-06-29). Collection method: curation. Allele origin: germline. Study: ENIGMA.
Comment: Variant allele predicted to encode a truncated non-functional protein.

ClinVar Staff, National Center for Biotechnology Information (NCBI)
No classification provided. Condition: Familial cancer of breast. Review status: no classification provided. Collection method: literature only. Allele origin: germline. Affected: yes. Not counted in ClinVar's aggregate classification.

Literature cited by the submitters: PubMed 12170759 (cited by ClinVar Staff, National Center for Biotechnology Information (NCBI)).

NM_007294.4(BRCA1):c.909del (p.Glu303fs)

Gene: BRCA1 (BRCA1 DNA repair associated; minus strand). Cytogenetic location: 17q21.31.
Variant type: Deletion.
Coding change: c.909del on transcript NM_007294.4 (MANE Select); coding-DNA position 909, one base deleted (A; older notation c.909delA).
Protein change: p.Glu303fs; shifts the reading frame from glutamic acid 303.
Molecular consequence: frameshift variant. On other transcripts: intron variant (137).
Genome position (GRCh38, 1-based): chr17:43,094,622, T deleted on the plus strand (A on the coding strand, the reverse complement: BRCA1 is on the minus strand); the first of 2 consecutive T bases (chr17:43,094,622-43,094,623); deleting either gives the same sequence. VCF-style (leftmost placement, unchanged base first): chr17-43094621-AT-A. GRCh37 (hg19) VCF-style: chr17-41246638-AT-A.
Other names: c.696del, p.Glu232fs (NM_001407571.1, NM_001407853.1, NM_001407894.1 and 9 more transcripts); c.909del, p.Glu303fs (NM_001407581.1, NM_001407582.1, NM_001407583.1 and 30 more transcripts); c.906del, p.Glu302fs (NM_001407587.1, NM_001407590.1, NM_001407591.1 and 22 more transcripts); c.900del, p.Glu300fs (NM_001407646.1, NM_001407647.1); c.786del, p.Glu262fs (NM_001407648.1, NM_001407664.1, NM_001407665.1 and 19 more transcripts); c.783del, p.Glu261fs (NM_001407649.1, NM_001407670.1, NM_001407671.1 and 11 more transcripts); c.831del, p.Glu277fs (NM_001407653.1, NM_001407654.1, NM_001407655.1 and 4 more transcripts); c.828del, p.Glu276fs (NM_001407659.1, NM_001407660.1, NM_001407661.1 and 1 more transcripts); and 41 more; short protein forms E256fs, E303fs, E135fs, E176fs, E215fs, E255fs, E175fs, E192fs.
Identifiers: ClinVar variation 55750 (VCV000055750.3), dbSNP rs397509334, ClinGen allele CA003961.